The following is an entry in ClinVar:

NM_018972.4(GDAP1):c.581C>G (p.Ser194Ter)

Gene: GDAP1 (ganglioside induced differentiation associated protein 1; plus strand). Cytogenetic location: 8q21.11.
Variant type: single nucleotide variant.
Coding change: c.581C>G on transcript NM_018972.4 (MANE Select); coding-DNA position 581, C replaced by G.
Protein change: p.Ser194Ter; replaces serine 194 with a stop codon.
Molecular consequence: nonsense.
Genome position (GRCh38, 1-based): chr8:74,362,940, C>G. VCF-style: chr8-74362940-C-G. GRCh37 (hg19) VCF-style: chr8-75275175-C-G.
Other names: c.377C>G, p.Ser126Ter (NM_001040875.4); c.254C>G, p.Ser85Ter (NM_001362929.2, NM_001362932.2); c.407C>G, p.Ser136Ter (NM_001362930.2); c.581C>G, p.Ser194Ter (NM_001362931.2); short protein forms S194*, S126*, S136*, S85*.
Identifiers: ClinVar variation 4191 (VCV000004191.20), dbSNP rs104894075, ClinGen allele CA116683.

ClinVar aggregate classification (germline): Pathogenic. Review status: criteria provided, multiple submitters, no conflicts (2 of 4 stars). 11 submissions from 8 submitters: Pathogenic (7). 4 of the submissions do not count toward it. Last evaluated 2025-10-05.

Conditions:
Charcot-Marie-Tooth disease, axonal, with vocal cord paresis, autosomal recessive. Also called: CHARCOT-MARIE-TOOTH DISEASE, TYPE 4A, AXONAL FORM; CHARCOT-MARIE-TOOTH NEUROPATHY, AXONAL, WITH VOCAL CORD PARESIS, AUTOSOMAL RECESSIVE; CMT2 WITH VOCAL CORD PARESIS, AUTOSOMAL RECESSIVE. Identifiers: Orphanet 101097, MedGen C1843183, MONDO:0011898, OMIM 607706.
Charcot-Marie-Tooth disease recessive intermediate A (CMTRIA). Also called: CHARCOT-MARIE-TOOTH NEUROPATHY, RECESSIVE INTERMEDIATE A. Identifiers: Orphanet 217055, MedGen C1842197, MONDO:0012014, OMIM 608340.
Charcot-Marie-Tooth disease axonal type 2K (CMT2K). Also called: CHARCOT-MARIE-TOOTH DISEASE, AXONAL, AUTOSOMAL RECESSIVE, TYPE 2K; CHARCOT-MARIE-TOOTH NEUROPATHY, AXONAL, TYPE 2K; Charcot-Marie-Tooth disease type 2K. Identifiers: Orphanet 101097, Orphanet 99944, MedGen C1842983, MONDO:0011916, OMIM 607831.
Charcot-Marie-Tooth disease type 4A. Also called: Charcot-Marie-Tooth disease, demyelinating, autosomal recessive, type 4a. Identifiers: Orphanet 99948, MedGen C1859198, MONDO:0008961, OMIM 214400.

Allele frequency attached by ClinVar (database versions not stated): gnomAD exomes below 0.00001; gnomAD 0.00002 and 0.00001; TOPMed 0.00002.
gnomAD v4.1: 7 of 1,418,394 alleles (0.00049%); highest among the groups gnomAD compares: Admixed American, 0.0084%; no homozygotes.

Submissions (11):

Clinical Biomedical Laboratory, Shriners Hospital For Children - Canada
Classification: Pathogenic for Charcot-Marie-Tooth disease type 4A. Last evaluated: 2025-10-05. Review status: criteria provided, single submitter. Criteria: ACMG Guidelines, 2015. Collection method: clinical testing. Allele origin: germline. Affected: yes.
Comment: This variant is predicted to introduce a stop codon in the coding region of GDAP1, which is expected to lead to degradation of the affected transcript and loss of function. Loss of function variants in GDAP1 are associated with autosomal recessive Charcot-Marie-Tooth disease type 4A. In the Genome Aggregation Database (gnomAD v2.1.1) this variant is present at a frequency of 0.0004%. The variant has been reported in multiple publications (e.g. PMID 12843336).

Labcorp Genetics (formerly Invitae), Labcorp
Classification: Pathogenic for Charcot-Marie-Tooth disease type 4A. Last evaluated: 2025-02-12. Review status: criteria provided, single submitter. Criteria: Invitae Variant Classification Sherloc (09022015). Collection method: clinical testing. Allele origin: germline.
Comment: This sequence change creates a premature translational stop signal (p.Ser194*) in the GDAP1 gene. It is expected to result in an absent or disrupted protein product. Loss-of-function variants in GDAP1 are known to be pathogenic (PMID: 11743580). This variant is present in population databases (rs104894075, gnomAD no frequency). This premature translational stop signal has been observed in individuals with autosomal recessive Charcot-Marie-Tooth disease (PMID: 11743579, 21840889). ClinVar contains an entry for this variant (Variation ID: 4191). For these reasons, this variant has been classified as Pathogenic.

3billion
Classification: Pathogenic for Charcot-Marie-Tooth disease type 4A. Last evaluated: 2024-10-17. Review status: criteria provided, single submitter. Criteria: ACMG Guidelines, 2015. Collection method: clinical testing. Allele origin: germline. Affected: yes.
Comment: The variant is observed at an extremely low frequency in the gnomAD v4.1.0 dataset (total allele frequency: <0.001%). Predicted Consequence/Location: Stop-gained (nonsense): predicted to result in a loss or disruption of normal protein function through nonsense-mediated decay (NMD) or protein truncation. Multiple pathogenic variants are reported downstream of the variant. The variant has been reported at least twice as pathogenic with clinical assertions and evidence for the classification (ClinVar ID: VCV000004191 /PMID: 11743579 /3billion dataset). Therefore, this variant is classified as Pathogenic according to the recommendation of ACMG/AMP guideline.

GeneDx
Classification: Pathogenic. Last evaluated: 2022-07-22. Review status: criteria provided, single submitter. Criteria: GeneDx Variant Classification Process June 2021. Collection method: clinical testing. Allele origin: germline. Affected: yes.
Comment: Nonsense variant predicted to result in protein truncation or nonsense mediated decay in a gene for which loss-of-function is a known mechanism of disease; Not observed at a significant frequency in large population cohorts (gnomAD); This variant is associated with the following publications: (PMID: 12499475, 11743580, 12707075, 21365284, 21840889, 25525159, 12868504, 29396836, 29372391, 31589614, 35331287, 32183277, 34440148, 32605002, 11743579)

Fulgent Genetics
Classification: Pathogenic for Charcot-Marie-Tooth disease type 4A; Charcot-Marie-Tooth disease, axonal, with vocal cord paresis, autosomal recessive; Charcot-Marie-Tooth disease axonal type 2K; Charcot-Marie-Tooth disease recessive intermediate A. Last evaluated: 2022-02-02. Review status: criteria provided, single submitter. Criteria: ACMG Guidelines, 2015. Collection method: clinical testing. Allele origin: unknown.

Baylor Genetics
Classification: Pathogenic for Charcot-Marie-Tooth disease type 4A. Last evaluated: 2019-12-30. Review status: criteria provided, single submitter. Criteria: ACMG Guidelines, 2015. Collection method: clinical testing. Allele origin: unknown. Affected: yes.
Comment: This variant was determined to be pathogenic according to ACMG Guidelines, 2015 [PMID:25741868].

Clinical Biomedical Laboratory, Shriners Hospital For Children - Canada
Classification: Pathogenic for Charcot-Marie-Tooth disease recessive intermediate A. Review status: criteria provided, single submitter. Criteria: ACMG Guidelines, 2015. Collection method: clinical testing. Allele origin: germline. Affected: yes.
Comment: This variant is predicted to to lead to degradation of the affected transcript and loss of function of the affected allele. Biallelic loss of function variants in GDAP1 are associated with Charcot-Marie-Tooth disease, recessive intermediate, A, which corresponds to the clinical diagnosis of the proband. This variant is absent from the Genome Aggregation Database (v2.1.1.), indicating it is very rare. Based on the ACMG variant interpretation guidelines (criteria: PVS1, P2, P3, PP4), the available evidence supports classification of this variant as pathogenic.

Inherited Neuropathy Consortium Ii, University Of Miami
Classification: Uncertain significance for Charcot-Marie-Tooth disease axonal type 2K. Last evaluated: 2016-01-06. Review status: no assertion criteria provided. Collection method: literature only. Allele origin: germline. Affected: yes. Not counted in ClinVar's aggregate classification.

OMIM
Classification: Pathogenic for CHARCOT-MARIE-TOOTH DISEASE, DEMYELINATING, AUTOSOMAL RECESSIVE, TYPE 4A. Last evaluated: 2003-04-01. Review status: no assertion criteria provided. Collection method: literature only. Allele origin: germline. Not counted in ClinVar's aggregate classification.

OMIM
Classification: Pathogenic for CHARCOT-MARIE-TOOTH DISEASE, AXONAL, AUTOSOMAL RECESSIVE, TYPE 2K. Last evaluated: 2003-04-01. Review status: no assertion criteria provided. Collection method: literature only. Allele origin: germline. Not counted in ClinVar's aggregate classification.

OMIM
Classification: Pathogenic for CHARCOT-MARIE-TOOTH DISEASE, AXONAL, WITH VOCAL CORD PARESIS, AUTOSOMAL RECESSIVE. Last evaluated: 2003-04-01. Review status: no assertion criteria provided. Collection method: literature only. Allele origin: germline. Not counted in ClinVar's aggregate classification.

Literature cited by the submitters: PubMed 12843336 (cited by Clinical Biomedical Laboratory, Shriners Hospital For Children - Canada); PubMed 11743580 (cited by 3 submitters); PubMed 11743579 (cited by 3 submitters); PubMed 21840889 (cited by Labcorp Genetics (formerly Invitae), Labcorp); PubMed 12499475 (cited by OMIM); PubMed 12707075 (cited by OMIM).